The following is an entry in ClinVar:

NM_000154.2(GALK1):c.1132T>G (p.Phe378Val)

Gene: GALK1 (galactokinase 1; minus strand). Cytogenetic location: 17q25.1.
Variant type: single nucleotide variant.
Coding change: c.1132T>G on transcript NM_000154.2 (MANE Select); coding-DNA position 1132, T replaced by G.
Protein change: p.Phe378Val; replaces phenylalanine 378 with valine.
Molecular consequence: missense variant.
Genome position (GRCh38, 1-based): chr17:75,758,103, A>C on the plus strand (T>G on the coding strand, the complement: GALK1 is on the minus strand). VCF-style: chr17-75758103-A-C. GRCh37 (hg19) VCF-style: chr17-73754184-A-C.
Other names: c.1132T>G, p.Phe378Val (NM_001381985.1); c.1132T>G (NM_000154.1); short protein forms F378V.
Identifiers: ClinVar variation 2042694 (VCV002042694.5), dbSNP rs2061561169, ClinGen allele CA401097882.
Genomic context (GRCh38, chr17:75,758,103, plus strand): 5'-TCCTGGGGGTGCCTCACAAGCACAGCACCTTGGCTCCATCGGCTGCTTGAGAGAGGTAGA[A>C]GGTGGCAGTCCCGCCGTAGTGCTCCTGTAAGAGGCGGGCTGGGGGTGAGTGGCAGGGCCC-3'
Protein context (NP_000145.1, residues 368-388): IQEHYGGTAT[Phe378Val]YLSQAADGAK

ClinVar aggregate classification (germline): Uncertain significance. Review status: criteria provided, multiple submitters, no conflicts (2 of 4 stars). 2 submissions from 2 submitters: Uncertain significance (2). Last evaluated 2025-04-25.

Conditions:
Inborn genetic diseases. Identifiers: MedGen C0950123, MeSH D030342.
Deficiency of galactokinase. Also called: Galactokinase deficiency with cataracts; GALACTOSEMIA II. Identifiers: Orphanet 352, Orphanet 79237, MedGen C0268155, MONDO:0009255, OMIM 230200.

Allele frequency attached by ClinVar (database versions not stated): gnomAD 0.00001.
gnomAD v4.1: 2 of 1,611,934 alleles (0.00012%); highest among the groups gnomAD compares: African/African-American, 0.0027%; no homozygotes.

Submissions (2):

Ambry Genetics
Classification: Uncertain significance for Inborn genetic diseases. Last evaluated: 2025-04-25. Review status: criteria provided, single submitter. Criteria: Ambry Variant Classification Scheme 2023. Collection method: clinical testing. Allele origin: germline.

Labcorp Genetics (formerly Invitae), Labcorp
Classification: Uncertain significance for Deficiency of galactokinase. Last evaluated: 2022-10-13. Review status: criteria provided, single submitter. Criteria: Invitae Variant Classification Sherloc (09022015). Collection method: clinical testing. Allele origin: germline.
Comment: In summary, the available evidence is currently insufficient to determine the role of this variant in disease. Therefore, it has been classified as a Variant of Uncertain Significance. Advanced modeling of protein sequence and biophysical properties (such as structural, functional, and spatial information, amino acid conservation, physicochemical variation, residue mobility, and thermodynamic stability) performed at Invitae indicates that this missense variant is not expected to disrupt GALK1 protein function. This variant has not been reported in the literature in individuals affected with GALK1-related conditions. This variant is not present in population databases (gnomAD no frequency). This sequence change replaces phenylalanine, which is neutral and non-polar, with valine, which is neutral and non-polar, at codon 378 of the GALK1 protein (p.Phe378Val).